The following is an entry in ClinVar:

ClinVar aggregate classification (germline): Uncertain significance (1 of 4 stars; one submission).

Allele frequency attached by ClinVar (database versions not stated): ExAC 0.00001; gnomAD 0.00001.
gnomAD v4.1: 3 of 1,613,576 alleles (0.00019%); highest among the groups gnomAD compares: Non-Finnish European, 0.00017%; no homozygotes.

Submission:

Labcorp Genetics (formerly Invitae), Labcorp
Classification: Uncertain significance. Last evaluated: 2025-06-15. Review status: criteria provided, single submitter. Criteria: Invitae Variant Classification Sherloc (09022015). Collection method: clinical testing. Allele origin: germline.
Comment: This sequence change replaces proline, which is neutral and non-polar, with leucine, which is neutral and non-polar, at codon 440 of the TNFRSF11A protein (p.Pro440Leu). This variant is not present in population databases (gnomAD no frequency). This variant has not been reported in the literature in individuals affected with TNFRSF11A-related conditions. ClinVar contains an entry for this variant (Variation ID: 1511010). An algorithm developed to predict the effect of missense changes on protein structure and function (PolyPhen-2) suggests that this variant is likely to be tolerated. In summary, the available evidence is currently insufficient to determine the role of this variant in disease. Therefore, it has been classified as a Variant of Uncertain Significance.

NM_003839.4(TNFRSF11A):c.1319C>T (p.Pro440Leu)

Gene: TNFRSF11A (TNF receptor superfamily member 11a; plus strand). Cytogenetic location: 18q21.33.
Variant type: single nucleotide variant.
Coding change: c.1319C>T on transcript NM_003839.4 (MANE Select); coding-DNA position 1319, C replaced by T.
Protein change: p.Pro440Leu; replaces proline 440 with leucine.
Molecular consequence: missense variant. On other transcripts: intron variant (3).
Genome position (GRCh38, 1-based): chr18:62,369,236, C>T. VCF-style: chr18-62369236-C-T. GRCh37 (hg19) VCF-style: chr18-60036469-C-T.
Other names: c.1277C>T, p.Pro426Leu (NM_001278268.2); c.783+2476C>T (NM_001270949.2); c.730+7443C>T (NM_001270950.2); c.616+9187C>T (NM_001270951.2); short protein forms P426L, P440L.
Identifiers: ClinVar variation 1511010 (VCV001511010.6), dbSNP rs773622232, ClinGen allele CA8983947.